The following is an entry in ClinVar:

ClinVar aggregate classification (germline): Benign/Likely benign. Review status: criteria provided, multiple submitters, no conflicts (2 of 4 stars). 3 submissions from 3 submitters: Benign (1); Likely benign (2). Last evaluated 2025-08-27.

Conditions:
Hereditary cancer-predisposing syndrome. Also called: Neoplastic Syndromes, Hereditary; Tumor predisposition; Hereditary neoplastic syndrome; Hereditary Cancer Syndrome. Identifiers: Orphanet 140162, MedGen C0027672, MeSH D009386, MONDO:0015356.
Hereditary diffuse gastric adenocarcinoma (HDGC). Also called: DIFFUSE GASTRIC AND LOBULAR BREAST CANCER SYNDROME. Identifiers: Orphanet 26106, MedGen C1708349, MONDO:0007648, OMIM 137215.

gnomAD v4.1: 4 of 1,614,176 alleles (0.00025%); highest among the groups gnomAD compares: Admixed American, 0.0017%; no homozygotes.

Submissions (3):

Labcorp Genetics (formerly Invitae), Labcorp
Classification: Likely benign for Hereditary diffuse gastric adenocarcinoma. Last evaluated: 2025-08-27. Review status: criteria provided, single submitter. Criteria: Invitae Variant Classification Sherloc (09022015). Collection method: clinical testing. Allele origin: germline.

Myriad Genetics, Inc.
Classification: Benign for Hereditary diffuse gastric adenocarcinoma. Last evaluated: 2024-09-24. Review status: criteria provided, single submitter. Criteria: Myriad Autosomal Dominant, Autosomal Recessive and X-Linked Classification Criteria (2023). Collection method: clinical testing. Allele origin: unknown.
Comment: This variant is considered benign. This variant is a silent/synonymous amino acid change and it is not expected to impact splicing.

Ambry Genetics
Classification: Likely benign for Hereditary cancer-predisposing syndrome. Last evaluated: 2016-07-12. Review status: criteria provided, single submitter. Criteria: Ambry Variant Classification Scheme 2023. Collection method: clinical testing. Allele origin: germline.

NM_004360.5(CDH1):c.2490G>A (p.Leu830=)

Gene: CDH1 (cadherin 1; plus strand). Cytogenetic location: 16q22.1.
Variant type: single nucleotide variant.
Coding change: c.2490G>A on transcript NM_004360.5 (MANE Select); coding-DNA position 2490, G replaced by A.
Protein change: p.Leu830=; no amino-acid change (leucine 830 retained).
Molecular consequence: synonymous variant.
Genome position (GRCh38, 1-based): chr16:68,833,340, G>A. VCF-style: chr16-68833340-G-A. GRCh37 (hg19) VCF-style: chr16-68867243-G-A.
Other names: c.2490G>A (LRG_301t1); c.2307G>A, p.Leu769= (NM_001317184.2); c.942G>A, p.Leu314= (NM_001317185.2); c.525G>A, p.Leu175= (NM_001317186.2).
Identifiers: ClinVar variation 239898 (VCV000239898.15), dbSNP rs754360330, ClinGen allele CA8130300.